The following is an entry in ClinVar:

NM_001256789.3(CACNA1F):c.431_432dup (p.Lys145fs)

Gene: CACNA1F (calcium voltage-gated channel subunit alpha1 F; minus strand). Cytogenetic location: Xp11.23.
Variant type: Duplication.
Coding change: c.431_432dup on transcript NM_001256789.3 (MANE Select); coding-DNA positions 431 to 432, 2 bases duplicated (TC; older notation c.431_432dupTC).
Protein change: p.Lys145fs; shifts the reading frame from lysine 145.
Molecular consequence: frameshift variant.
Genome position (GRCh38, 1-based): chrX:49,230,939-49,230,940, GA duplicated on the plus strand (TC on the coding strand, the reverse complement: CACNA1F is on the minus strand); duplicating any 2 consecutive bases within chrX:49,230,939-49,230,941 gives the same sequence; the c. name uses the placement nearest the transcript's 3' end. VCF-style (leftmost placement, unchanged base first): chrX-49230938-T-TGA. GRCh37 (hg19) VCF-style: chrX-49087400-T-TGA.
Other names: c.236_237dup, p.Lys80fs (NM_001256790.3); c.431_432dup, p.Lys145fs (NM_005183.4); short protein forms K145fs, K80fs.
Identifiers: ClinVar variation 3239455 (VCV003239455.20), dbSNP rs2519139712.

ClinVar aggregate classification (germline): Pathogenic. Review status: criteria provided, single submitter (1 of 4 stars). 2 submissions from 2 submitters: Pathogenic (1). 1 of the submissions does not count toward it. Last evaluated 2024-05-01.

Submissions (2):

CeGaT Center for Human Genetics Tuebingen
Classification: Pathogenic. Last evaluated: 2024-05-01. Review status: criteria provided, single submitter. Criteria: CeGaT Center For Human Genetics Tuebingen Variant Classification Criteria Version 2. Collection method: clinical testing. Allele origin: germline. Affected: yes. Observed: 1 variant allele.
Comment: CACNA1F: PVS1, PM2

Clinical Genetics Laboratory, University Hospital Schleswig-Holstein
Classification: Pathogenic. Last evaluated: 2024-06-27. Review status: no assertion criteria provided. Collection method: clinical testing. Allele origin: germline. Affected: yes. Not counted in ClinVar's aggregate classification.